The following is an entry in ClinVar:

NM_032119.4(ADGRV1):c.16447T>C (p.Phe5483Leu)

Gene: ADGRV1 (adhesion G protein-coupled receptor V1; plus strand). Cytogenetic location: 5q14.3.
Variant type: single nucleotide variant.
Coding change: c.16447T>C on transcript NM_032119.4 (MANE Select); coding-DNA position 16447, T replaced by C.
Protein change: p.Phe5483Leu; replaces phenylalanine 5483 with leucine.
Molecular consequence: missense variant. On other transcripts: non-coding transcript variant (1).
Genome position (GRCh38, 1-based): chr5:90,829,022, T>C. VCF-style: chr5-90829022-T-C. GRCh37 (hg19) VCF-style: chr5-90124839-T-C.
Other names: short protein forms F5483L.
Identifiers: ClinVar variation 505100 (VCV000505100.16), dbSNP rs376863164, ClinGen allele CA3342159.

ClinVar aggregate classification (germline): Conflicting classifications of pathogenicity. Review status: criteria provided, conflicting classifications (1 of 4 stars). 5 submissions from 5 submitters: Uncertain significance (3); Benign (1); Likely benign (1). Last evaluated 2026-01-26.

Conditions:
ADGRV1-related disorder. Also called: ADGRV1-related condition; ADGRV1-related disorders.

Allele frequency attached by ClinVar (database versions not stated): gnomAD exomes 0.00002 and 0.00012; gnomAD 0.00005 and 0.00003; ExAC 0.00010; TOPMed 0.00003; 1000 Genomes Project 30x 0.00047; 1000 Genomes Project 0.00060.
gnomAD v4.1: 39 of 1,612,562 alleles (0.0024%); highest among the groups gnomAD compares: East Asian, 0.069%; no homozygotes.

Submissions (5):

Labcorp Genetics (formerly Invitae), Labcorp
Classification: Benign. Last evaluated: 2026-01-26. Review status: criteria provided, single submitter. Criteria: Invitae Variant Classification Sherloc (09022015). Collection method: clinical testing. Allele origin: germline.

PreventionGenetics, part of Exact Sciences
Classification: Uncertain significance for ADGRV1-related condition. Last evaluated: 2024-12-12. Review status: criteria provided, single submitter. Criteria: ACMG Guidelines, 2015. Collection method: clinical testing. Allele origin: germline.
Comment: The ADGRV1 c.16447T>C variant is predicted to result in the amino acid substitution p.Phe5483Leu. This variant has been reported in the heterozygous state in an individual with hearing loss along with a variant in CDH23 (Table S1, Han et al. 2019. PubMed ID: 30733538). This variant was 0.17% of alleles in individuals of East Asian descent in gnomAD v2 (as displayed in the table above). However, in gnomAD v4 (available only on GRCh38), this variant is reported in 0.069% of alleles in in individuals of East Asian descent, including zero homozygotes. Although we suspect that this variant may be benign, at this time, the clinical significance of this variant is uncertain due to the absence of conclusive functional and genetic evidence.

GeneDx
Classification: Likely benign. Last evaluated: 2020-12-15. Review status: criteria provided, single submitter. Criteria: GeneDx Variant Classification Process June 2021. Collection method: clinical testing. Allele origin: germline. Affected: yes.
Comment: This variant is associated with the following publications: (PMID: 30733538)

Blueprint Genetics
Classification: Uncertain significance. Last evaluated: 2019-09-13. Review status: criteria provided, single submitter. Criteria: ACMG Guidelines, 2015. Collection method: clinical testing. Allele origin: germline.

Laboratory for Molecular Medicine, Mass General Brigham Personalized Medicine
Classification: Uncertain significance. Last evaluated: 2016-06-20. Review status: criteria provided, single submitter. Criteria: LMM Criteria. Collection method: clinical testing. Allele origin: germline. Observed: 1 variant allele.
Comment: Variant classified as Uncertain Significance - Favor Benign. The p.Phe5483Leu va riant in GPR98 has not been previously reported in individuals with hearing loss or Usher syndrome, but has been identified in 0.1% (12/8622) of East Asian chro mosomes by the Exome Aggregation Consortium (ExAC, g; dbSNP rs376863164). Although this variant has been seen in the general popula tion, its frequency is not high enough to rule out a pathogenic role. Computatio nal prediction tools and conservation analysis do not provide strong support for or against an impact to the protein. In summary, while the clinical significanc e of the p.Phe5483Leu variant is uncertain, its frequency suggests that it is mo re likely to be benign.